The following is an entry in ClinVar:

ClinVar aggregate classification (germline): Uncertain significance (1 of 4 stars; one submission).

Allele frequency attached by ClinVar (database versions not stated): ExAC 0.00001.
gnomAD v4.1: 2 of 1,612,406 alleles (0.00012%); highest among the groups gnomAD compares: South Asian, 0.0011%; no homozygotes.

Submission:

GeneDx
Classification: Uncertain significance. Last evaluated: 2019-08-01. Review status: criteria provided, single submitter. Criteria: GeneDx Variant Classification Process June 2021. Collection method: clinical testing. Allele origin: germline. Affected: yes.
Comment: Not observed at a significant frequency in large population cohorts (Lek et al., 2016)

NM_018993.4(RIN2):c.249G>C (p.Arg83Ser)

Gene: RIN2 (Ras and Rab interactor 2; plus strand). Cytogenetic location: 20p11.23.
Variant type: single nucleotide variant.
Coding change: c.249G>C on transcript NM_018993.4 (MANE Select); coding-DNA position 249, G replaced by C.
Protein change: p.Arg83Ser; replaces arginine 83 with serine.
Molecular consequence: missense variant. On other transcripts: 5 prime UTR variant (1).
Genome position (GRCh38, 1-based): chr20:19,956,705, G>C. VCF-style: chr20-19956705-G-C. GRCh37 (hg19) VCF-style: chr20-19937349-G-C.
Other names: c.396G>C, p.Arg132Ser (NM_001242581.2); c.-297G>C (NM_001378238.1); short protein forms R132S, R83S.
Identifiers: ClinVar variation 1307587 (VCV001307587.2), dbSNP rs769359621, ClinGen allele CA9779772.
Genomic context (GRCh38, chr20:19,956,705, plus strand): 5'-CGAGGAAGAGGACGTGAAGACCTGTGCCCGGGACTCAGGCTATGACAGCCTCTCCAACAG[G>C]CTCAGCATCTTGGACCGGCTCCTCCACACCCACCCCATATGGCTGCAGCTGAGTCTGAGT-3'
Protein context (NP_061866.1, residues 73-93): RDSGYDSLSN[Arg83Ser]LSILDRLLHT